The following is an entry in ClinVar:

NM_004703.6(RABEP1):c.1179G>A (p.Ser393=)

Gene: RABEP1 (rabaptin, RAB GTPase binding effector protein 1; plus strand). Cytogenetic location: 17p13.2.
Variant type: single nucleotide variant.
Coding change: c.1179G>A on transcript NM_004703.6 (MANE Select); coding-DNA position 1179, G replaced by A.
Protein change: p.Ser393=; no amino-acid change (serine 393 retained).
Molecular consequence: synonymous variant.
Genome position (GRCh38, 1-based): chr17:5,361,291, G>A. VCF-style: chr17-5361291-G-A. GRCh37 (hg19) VCF-style: chr17-5264586-G-A.
Other names: c.1179G>A, p.Ser393= (NM_001083585.3); c.1050G>A, p.Ser350= (NM_001291581.2).
Identifiers: ClinVar variation 2647294 (VCV002647294.24), dbSNP rs111228095, ClinGen allele CA8323512.

ClinVar aggregate classification (germline): Likely benign (1 of 4 stars; one submission).

Allele frequency attached by ClinVar (database versions not stated): 1000 Genomes Project 30x 0.00031; gnomAD 0.00039; TOPMed 0.00039; ESP Exome Variant Server 0.00057; gnomAD exomes 0.00061; ExAC 0.00070.
gnomAD v4.1: 946 of 1,614,060 alleles (0.059%); highest among the groups gnomAD compares: Middle Eastern, 0.066%; 1 homozygote.

Submission:

CeGaT Center for Human Genetics Tuebingen
Classification: Likely benign. Last evaluated: 2022-05-01. Review status: criteria provided, single submitter. Criteria: CeGaT Center For Human Genetics Tuebingen Variant Classification Criteria Version 2. Collection method: clinical testing. Allele origin: germline. Affected: yes. Observed: 1 variant allele.
Comment: RABEP1: BP4, BP7